The following is an entry in ClinVar:

ClinVar aggregate classification (germline): Benign/Likely benign. Review status: criteria provided, multiple submitters, no conflicts (2 of 4 stars). 3 submissions from 3 submitters: Benign (1); Likely benign (2). Last evaluated 2024-04-12.

Conditions:
Hereditary cancer-predisposing syndrome. Also called: Tumor predisposition; Hereditary neoplastic syndrome; Hereditary Cancer Syndrome; Neoplastic Syndromes, Hereditary. Identifiers: Orphanet 140162, MedGen C0027672, MeSH D009386, MONDO:0015356.
Familial adenomatous polyposis 1 (FAP1). Also called: FAMILIAL ADENOMATOUS POLYPOSIS 1, ATTENUATED; POLYPOSIS, ADENOMATOUS INTESTINAL. Identifiers: MedGen C2713442, MONDO:0021056, OMIM 175100. Disease mechanism: loss of function.

Submissions (3):

Myriad Genetics, Inc.
Classification: Benign for Familial adenomatous polyposis 1. Last evaluated: 2024-04-12. Review status: criteria provided, single submitter. Criteria: Myriad Autosomal Dominant, Autosomal Recessive and X-Linked Classification Criteria (2023). Collection method: clinical testing. Allele origin: unknown.
Comment: This variant is considered benign. This variant is a silent/synonymous amino acid change and it is not expected to impact splicing.

Labcorp Genetics (formerly Invitae), Labcorp
Classification: Likely benign for Familial adenomatous polyposis 1. Last evaluated: 2022-10-20. Review status: criteria provided, single submitter. Criteria: Invitae Variant Classification Sherloc (09022015). Collection method: clinical testing. Allele origin: germline.

Color Diagnostics, LLC DBA Color Health
Classification: Likely benign for Hereditary cancer-predisposing syndrome. Last evaluated: 2020-11-02. Review status: criteria provided, single submitter. Criteria: ACMG Guidelines, 2015. Collection method: clinical testing. Allele origin: germline.

NM_000038.6(APC):c.8106A>T (p.Ala2702=)

Gene: APC (APC regulator of Wnt signaling pathway; plus strand). Cytogenetic location: 5q22.2.
Variant type: single nucleotide variant.
Coding change: c.8106A>T on transcript NM_000038.6 (MANE Select); coding-DNA position 8106, A replaced by T.
Protein change: p.Ala2702=; no amino-acid change (alanine 2702 retained).
Molecular consequence: synonymous variant.
Genome position (GRCh38, 1-based): chr5:112,843,700, A>T. VCF-style: chr5-112843700-A-T. GRCh37 (hg19) VCF-style: chr5-112179397-A-T.
Other names: c.8106A>T, p.Ala2702= (NM_001127510.3, NM_001354895.2); c.8052A>T, p.Ala2684= (NM_001127511.3); c.8160A>T, p.Ala2720= (NM_001354896.2); c.8136A>T, p.Ala2712= (NM_001354897.2); c.8031A>T, p.Ala2677= (NM_001354898.2); c.8022A>T, p.Ala2674= (NM_001354899.2); c.7983A>T, p.Ala2661= (NM_001354900.2); c.7929A>T, p.Ala2643= (NM_001354901.2); and 5 more.
Identifiers: ClinVar variation 1172105 (VCV001172105.8), dbSNP rs1554088899, ClinGen allele CA446211157.